The following is an entry in ClinVar:

ClinVar aggregate classification (germline): Uncertain significance (1 of 4 stars; one submission).

Submission:

Greenwood Genetic Center Diagnostic Laboratories, Greenwood Genetic Center
Classification: Uncertain significance. Last evaluated: 2024-03-06. Review status: criteria provided, single submitter. Criteria: ACMG Guidelines, 2015. Collection method: clinical testing. Allele origin: germline. Affected: yes.
Comment: PM2

NM_012199.5(AGO1):c.416G>T (p.Arg139Leu)

Gene: AGO1 (argonaute RISC component 1; plus strand). Cytogenetic location: 1p34.3.
Variant type: single nucleotide variant.
Coding change: c.416G>T on transcript NM_012199.5 (MANE Select); coding-DNA position 416, G replaced by T.
Protein change: p.Arg139Leu; replaces arginine 139 with leucine.
Molecular consequence: missense variant.
Genome position (GRCh38, 1-based): chr1:35,893,182, G>T. VCF-style: chr1-35893182-G-T. GRCh37 (hg19) VCF-style: chr1-36358783-G-T.
Other names: c.416G>T, p.Arg139Leu (NM_001317122.2); c.191G>T, p.Arg64Leu (NM_001317123.2); short protein forms R139L, R64L.
Identifiers: ClinVar variation 3235785 (VCV003235785.1), dbSNP rs748561732, ClinGen allele CA339365743.